The following is an entry in ClinVar:

NM_015338.6(ASXL1):c.4510C>T (p.Leu1504Phe)

Gene: ASXL1 (ASXL transcriptional regulator 1; plus strand). Cytogenetic location: 20q11.21.
Variant type: single nucleotide variant.
Coding change: c.4510C>T on transcript NM_015338.6 (MANE Select); coding-DNA position 4510, C replaced by T.
Protein change: p.Leu1504Phe; replaces leucine 1504 with phenylalanine.
Molecular consequence: missense variant.
Genome position (GRCh38, 1-based): chr20:32,437,222, C>T. VCF-style: chr20-32437222-C-T. GRCh37 (hg19) VCF-style: chr20-31025025-C-T.
Other names: c.4327C>T, p.Leu1443Phe (NM_001363734.1); short protein forms L1443F, L1504F.
Identifiers: ClinVar variation 4810698 (VCV004810698.1).

ClinVar aggregate classification (germline): Uncertain significance (1 of 4 stars; one submission).

gnomAD v4.1: 6 of 1,613,584 alleles (0.00037%); highest among the groups gnomAD compares: African/African-American, 0.004%; no homozygotes.

Submission:

Labcorp Genetics (formerly Invitae), Labcorp
Classification: Uncertain significance. Last evaluated: 2025-07-18. Review status: criteria provided, single submitter. Criteria: Invitae Variant Classification Sherloc (09022015). Collection method: clinical testing. Allele origin: germline.
Comment: This sequence change replaces leucine, which is neutral and non-polar, with phenylalanine, which is neutral and non-polar, at codon 1504 of the ASXL1 protein (p.Leu1504Phe). This variant is not present in population databases (gnomAD no frequency). This variant has not been reported in the literature in individuals affected with ASXL1-related conditions. An algorithm developed to predict the effect of missense changes on protein structure and function (PolyPhen-2) suggests that this variant is likely to be disruptive. In summary, the available evidence is currently insufficient to determine the role of this variant in disease. Therefore, it has been classified as a Variant of Uncertain Significance.